The following is an entry in ClinVar:

NM_001280561.2(CATSPERQ):c.438C>T (p.Ser146=)

Gene: CATSPERQ (catsper channel auxiliary subunit theta; minus strand). Cytogenetic location: 8q24.3.
Variant type: single nucleotide variant.
Coding change: c.438C>T on transcript NM_001280561.2 (MANE Select); coding-DNA position 438, C replaced by T.
Protein change: p.Ser146=; no amino-acid change (serine 146 retained).
Molecular consequence: synonymous variant. On other transcripts: nonsense (1), non-coding transcript variant (1).
Genome position (GRCh38, 1-based): chr8:144,353,958, G>A on the plus strand (C>T on the coding strand, the complement: CATSPERQ is on the minus strand). VCF-style: chr8-144353958-G-A. GRCh37 (hg19) VCF-style: chr8-145577618-G-A.
Other names: c.438C>T, p.Ser146= (NM_001252402.3); c.343C>T, p.Arg115Ter (NM_001252404.3); short protein forms R115*.
Identifiers: ClinVar variation 4533418 (VCV004533418.6).

ClinVar aggregate classification (germline): Likely benign (1 of 4 stars; one submission).

gnomAD v4.1: 9,492 of 1,531,508 alleles (0.62%); highest among the groups gnomAD compares: South Asian, 0.99%; 54 homozygotes.

Submission:

CeGaT Center for Human Genetics Tuebingen
Classification: Likely benign. Last evaluated: 2025-11-01. Review status: criteria provided, single submitter. Criteria: CeGaT Center For Human Genetics Tuebingen Variant Classification Criteria Version 2. Collection method: clinical testing. Allele origin: germline. Affected: yes. Observed: 2 variant alleles.
Comment: CATSPERQ: BS2